The following is an entry in ClinVar:

NM_006045.3(ATP9A):c.2850C>T (p.Phe950=)

Gene: ATP9A (ATPase phospholipid transporting 9A; minus strand). Cytogenetic location: 20q13.2.
Variant type: single nucleotide variant.
Coding change: c.2850C>T on transcript NM_006045.3 (MANE Select); coding-DNA position 2850, C replaced by T.
Protein change: p.Phe950=; no amino-acid change (phenylalanine 950 retained).
Molecular consequence: synonymous variant.
Genome position (GRCh38, 1-based): chr20:51,604,974, G>A on the plus strand (C>T on the coding strand, the complement: ATP9A is on the minus strand). VCF-style: chr20-51604974-G-A. GRCh37 (hg19) VCF-style: chr20-50221513-G-A.
Identifiers: ClinVar variation 5039053 (VCV005039053.1).
Genomic context (GRCh38, chr20:51,604,974, plus strand): 5'-CGCCACCATGAGCAGCTCGGTGAGGATCAGCGAGGTGAAGGAGATGGCCACGATGTGCAC[G>A]AACTCCGACTCAAACAGCAGCAGCGCCCCGTACATGATGGTGCTCCCTGCAAACACCAGA-3'
Protein context (NP_006036.1, residues 940-960): YGALLLFESE[Phe950=]VHIVAISFTS

ClinVar aggregate classification (germline): Likely benign (1 of 4 stars; one submission).

gnomAD v4.1: 157 of 1,612,914 alleles (0.0097%); highest among the groups gnomAD compares: Middle Eastern, 0.05%; 1 homozygote.

Submission:

CeGaT Center for Human Genetics Tuebingen
Classification: Likely benign. Last evaluated: 2026-07-01. Review status: criteria provided, single submitter. Criteria: CeGaT Center For Human Genetics Tuebingen Variant Classification Criteria Version 2. Collection method: clinical testing. Allele origin: germline. Affected: yes. Observed: 1 variant allele.
Comment: ATP9A: BP4, BP7